The following is an entry in ClinVar:

ClinVar aggregate classification (germline): Uncertain significance. Review status: criteria provided, multiple submitters, no conflicts (2 of 4 stars). 2 submissions from 2 submitters: Uncertain significance (2). Last evaluated 2025-05-17.

Submissions (2):

Ambry Genetics
Classification: Uncertain significance. Last evaluated: 2025-05-17. Review status: criteria provided, single submitter. Criteria: Ambry Variant Classification Scheme 2023. Collection method: clinical testing. Allele origin: germline.
Comment: The p.I641L variant (also known as c.1921A>C), located in coding exon 19 of the SRP72 gene, results from an A to C substitution at nucleotide position 1921. The isoleucine at codon 641 is replaced by leucine, an amino acid with highly similar properties. This amino acid position is conserved. In addition, this alteration is predicted to be tolerated by in silico analysis. Based on the available evidence, the clinical significance of this variant remains unclear.

Labcorp Genetics (formerly Invitae), Labcorp
Classification: Uncertain significance. Last evaluated: 2024-09-14. Review status: criteria provided, single submitter. Criteria: Invitae Variant Classification Sherloc (09022015). Collection method: clinical testing. Allele origin: germline.
Comment: This sequence change replaces isoleucine, which is neutral and non-polar, with leucine, which is neutral and non-polar, at codon 641 of the SRP72 protein (p.Ile641Leu). This variant is present in population databases (no rsID available, gnomAD 0.006%). This variant has not been reported in the literature in individuals affected with SRP72-related conditions. An algorithm developed to predict the effect of missense changes on protein structure and function (PolyPhen-2) suggests that this variant is likely to be tolerated. In summary, the available evidence is currently insufficient to determine the role of this variant in disease. Therefore, it has been classified as a Variant of Uncertain Significance.

NM_006947.4(SRP72):c.1921A>C (p.Ile641Leu)

Gene: SRP72 (signal recognition particle 72; plus strand). Cytogenetic location: 4q12.
Variant type: single nucleotide variant.
Coding change: c.1921A>C on transcript NM_006947.4 (MANE Select); coding-DNA position 1921, A replaced by C.
Protein change: p.Ile641Leu; replaces isoleucine 641 with leucine.
Molecular consequence: missense variant. On other transcripts: non-coding transcript variant (1).
Genome position (GRCh38, 1-based): chr4:56,501,766, A>C. VCF-style: chr4-56501766-A-C. GRCh37 (hg19) VCF-style: chr4-57367932-A-C.
Other names: c.1921A>C (NM_006947.3); c.1738A>C, p.Ile580Leu (NM_001267722.2); short protein forms I641L, I580L.
Identifiers: ClinVar variation 3671618 (VCV003671618.3).